The following is an entry in ClinVar:

ClinVar aggregate classification (germline): Uncertain significance. Review status: criteria provided, multiple submitters, no conflicts (2 of 4 stars). 2 submissions from 2 submitters: Uncertain significance (2). Last evaluated 2024-04-10.

Conditions:
Dystonia 28, childhood-onset (DYT28). Also called: KMT2B-Related Dystonia (DYT-KMT2B). Identifiers: Orphanet 589618, MedGen C4310633, MONDO:0015004, OMIM 617284.

Allele frequency attached by ClinVar (database versions not stated): gnomAD exomes below 0.00001.
gnomAD v4.1: 1 of 1,613,850 alleles (0.000062%); highest among the groups gnomAD compares: Non-Finnish European, 0.000085%; no homozygotes.

Submissions (2):

GeneDx
Classification: Uncertain significance. Last evaluated: 2024-04-10. Review status: criteria provided, single submitter. Criteria: GeneDx Variant Classification Process June 2021. Collection method: clinical testing. Allele origin: germline. Affected: yes.
Comment: Not observed at significant frequency in large population cohorts (gnomAD); In silico analysis supports that this missense variant has a deleterious effect on protein structure/function; Has not been previously published as pathogenic or benign to our knowledge

Centre for Mendelian Genomics, University Medical Centre Ljubljana
Classification: Uncertain significance for Dystonia 28, childhood-onset. Last evaluated: 2020-03-25. Review status: criteria provided, single submitter. Criteria: ACMG Guidelines, 2015. Collection method: clinical testing. Allele origin: unknown. Affected: yes.
Comment: This variant was classified as: Uncertain significance. The available evidence on this variant's pathogenicity is insufficient or conflicting. The following ACMG criteria were applied in classifying this variant: PM2.

NM_014727.3(KMT2B):c.3953G>T (p.Trp1318Leu)

Gene: KMT2B (lysine methyltransferase 2B; plus strand). Cytogenetic location: 19q13.12.
Variant type: single nucleotide variant.
Coding change: c.3953G>T on transcript NM_014727.3 (MANE Select); coding-DNA position 3953, G replaced by T.
Protein change: p.Trp1318Leu; replaces tryptophan 1318 with leucine.
Molecular consequence: missense variant.
Genome position (GRCh38, 1-based): chr19:35,726,303, G>T. VCF-style: chr19-35726303-G-T. GRCh37 (hg19) VCF-style: chr19-36217204-G-T.
Other names: short protein forms W1318L.
Identifiers: ClinVar variation 930711 (VCV000930711.4), dbSNP rs1969439027, ClinGen allele CA405411684.